The following is an entry in ClinVar:

ClinVar aggregate classification (germline): Likely benign. Review status: criteria provided, single submitter (1 of 4 stars). 2 submissions from 2 submitters: Likely benign (1). 1 of the submissions does not count toward it. Last evaluated 2019-12-31.

Conditions:
SEMA3D-related disorder. Also called: SEMA3D-related condition.

Allele frequency attached by ClinVar (database versions not stated): 1000 Genomes Project 30x 0.00016; gnomAD exomes 0.00045 and 0.00052; 1000 Genomes Project 0.00020; gnomAD 0.00051 and 0.00048; TOPMed 0.00040; ESP Exome Variant Server 0.00046; ExAC 0.00050.
gnomAD v4.1: 752 of 1,480,636 alleles (0.051%); highest among the groups gnomAD compares: Non-Finnish European, 0.065%; 1 homozygote.

Submissions (3):

Labcorp Genetics (formerly Invitae), Labcorp
Classification: Likely benign. Last evaluated: 2019-12-31. Review status: criteria provided, single submitter. Criteria: Invitae Variant Classification Sherloc (09022015). Collection method: clinical testing. Allele origin: germline.

PreventionGenetics, part of Exact Sciences
Classification: Likely benign for SEMA3D-related condition. Last evaluated: 2020-05-04. Review status: no assertion criteria provided. Collection method: clinical testing. Allele origin: germline. Not counted in ClinVar's aggregate classification.
Comment: This variant is classified as likely benign based on ACMG/AMP sequence variant interpretation guidelines (Richards et al. 2015 PMID: 25741868, with internal and published modifications).

Dr. Peter K. Rogan Lab, Western University
No classification provided (evidence only). Condition: Thymoma. Review status: no classification provided. Collection method: in vitro. Allele origin: not applicable. Functional consequence: retained intron. Not counted in ClinVar's aggregate classification.

NM_001384900.1(SEMA3D):c.1023A>G (p.Val341=)

Gene: SEMA3D (semaphorin 3D; minus strand). Cytogenetic location: 7q21.11.
Variant type: single nucleotide variant.
Coding change: c.1023A>G on transcript NM_001384900.1 (MANE Select); coding-DNA position 1023, A replaced by G.
Protein change: p.Val341=; no amino-acid change (valine 341 retained).
Molecular consequence: synonymous variant.
Genome position (GRCh38, 1-based): chr7:85,040,696, T>C on the plus strand (A>G on the coding strand, the complement: SEMA3D is on the minus strand). VCF-style: chr7-85040696-T-C. GRCh37 (hg19) VCF-style: chr7-84670012-T-C.
Other names: NC_000007.13:g.84670012T>C; c.1023A>G, p.Val341= (NM_001384901.1, NM_001384902.1, NM_001384903.1 and 1 more transcripts).
Identifiers: ClinVar variation 710331 (VCV000710331.7), dbSNP rs142039244, ClinGen allele CA4323549.
Genomic context (GRCh38, chr7:85,040,696, plus strand): 5'-ATTCTCTGAAGCATTAAAAGCATTTTGTTGAACATACCTGGTTGTAGTAAAGACTCCATA[T>C]ACTACAGGATTTCTTTCATCTCTTGTGGGGAGTAAATAAATATCTTCTATTAAAGGGGAA-3'
Protein context (NP_001371829.1, residues 331-351): LPTRDERNPV[Val341=]YGVFTTTSSI